The following is an entry in ClinVar:

ClinVar aggregate classification (germline): Uncertain significance. Review status: criteria provided, multiple submitters, no conflicts (2 of 4 stars). 3 submissions from 3 submitters: Uncertain significance (3). Last evaluated 2026-10-08.

Conditions:
COL2A1-related disorder. Also called: COL2A1-related condition; COL2A1-related disorders.

gnomAD v4.1: 2 of 1,548,446 alleles (0.00013%); highest among the groups gnomAD compares: Admixed American, 0.0039%; no homozygotes.

Submissions (3):

GeneDx
Classification: Uncertain significance. Last evaluated: 2026-10-08. Review status: criteria provided, single submitter. Criteria: GeneDx Variant Classification Process June 2021. Collection method: clinical testing. Allele origin: germline.
Comment: In silico analysis suggests that this missense variant does not alter protein structure/function; Has not been previously published as pathogenic or benign to our knowledge

Women's Health and Genetics/Laboratory Corporation of America, LabCorp
Classification: Uncertain significance. Last evaluated: 2026-06-16. Review status: criteria provided, single submitter. Criteria: LabCorp Variant Classification Summary - May 2015. Collection method: clinical testing. Allele origin: germline.
Comment: Variant summary: COL2A1 c.13G>C (p.Gly5Arg) results in a non-conservative amino acid change in the encoded protein sequence. Algorithms developed to predict the effect of missense changes on protein structure and function are either unavailable or do not agree on the potential impact of this missense change. The variant allele was found at a frequency of 1.3e-05 in 152290 control chromosomes. The available data on variant occurrences in the general population are insufficient to allow any conclusion about variant significance. To our knowledge, no occurrence of c.13G>C in individuals affected with COL2A1-related conditions and no experimental evidence demonstrating its impact on protein function have been reported. ClinVar contains an entry for this variant (Variation ID: 4278712). Based on the evidence outlined above, the variant was classified as uncertain significance.

PreventionGenetics, part of Exact Sciences
Classification: Uncertain significance for COL2A1-related condition. Last evaluated: 2025-06-25. Review status: criteria provided, single submitter. Criteria: ACMG Guidelines, 2015. Collection method: clinical testing. Allele origin: germline.
Comment: The COL2A1 c.13G>C variant is predicted to result in the amino acid substitution p.Gly5Arg. To our knowledge, this variant has not been reported in the literature. This variant is reported in 0.0081% of alleles in individuals of Latino descent in gnomAD. At this time, the clinical significance of this variant is uncertain due to the absence of conclusive functional and genetic evidence.

NM_001844.5(COL2A1):c.13G>C (p.Gly5Arg)

Gene: COL2A1 (collagen type II alpha 1 chain; minus strand). Cytogenetic location: 12q13.11.
Variant type: single nucleotide variant.
Coding change: c.13G>C on transcript NM_001844.5 (MANE Select); coding-DNA position 13, G replaced by C.
Protein change: p.Gly5Arg; replaces glycine 5 with arginine.
Molecular consequence: missense variant.
Genome position (GRCh38, 1-based): chr12:48,004,309, C>G on the plus strand (G>C on the coding strand, the complement: COL2A1 is on the minus strand). VCF-style: chr12-48004309-C-G. GRCh37 (hg19) VCF-style: chr12-48398092-C-G.
Other names: c.13G>C, p.Gly5Arg (NM_033150.3); short protein forms G5R.
Identifiers: ClinVar variation 4278712 (VCV004278712.4).